The following is an entry in ClinVar:

ClinVar aggregate classification (germline): Uncertain significance. Review status: criteria provided, multiple submitters, no conflicts (2 of 4 stars). 2 submissions from 2 submitters: Uncertain significance (2). Last evaluated 2026-08-17.

Conditions:
Nephronophthisis 15 (NPHP15). Identifiers: Orphanet 3156, MedGen C3541853, MONDO:0013917, OMIM 614845.
CEP164-related disorder. Also called: CEP164-related condition.

Allele frequency attached by ClinVar (database versions not stated): gnomAD exomes 0.00002 and below 0.00001; gnomAD 0.00008; TOPMed 0.00009; ESP Exome Variant Server 0.00015.
gnomAD v4.1: 16 of 1,599,262 alleles (0.001%); highest among the groups gnomAD compares: African/African-American, 0.021%; no homozygotes.

Submissions (2):

PreventionGenetics, part of Exact Sciences
Classification: Uncertain significance for CEP164-related condition. Last evaluated: 2026-08-17. Review status: criteria provided, single submitter. Criteria: ACMG Guidelines, 2015. Collection method: clinical testing. Allele origin: germline.
Comment: The CEP164 c.1322A>G variant is predicted to result in the amino acid substitution p.Gln441Arg. To our knowledge, this variant has not been reported in the literature. This variant is reported in 0.035% of alleles in individuals of African descent in gnomAD. At this time, the clinical significance of this variant is uncertain due to the absence of conclusive functional and genetic evidence.

Labcorp Genetics (formerly Invitae), Labcorp
Classification: Uncertain significance for Nephronophthisis 15. Last evaluated: 2025-04-17. Review status: criteria provided, single submitter. Criteria: Invitae Variant Classification Sherloc (09022015). Collection method: clinical testing. Allele origin: germline.
Comment: This sequence change replaces glutamine, which is neutral and polar, with arginine, which is basic and polar, at codon 441 of the CEP164 protein (p.Gln441Arg). This variant is present in population databases (rs138536460, gnomAD 0.03%). This variant has not been reported in the literature in individuals affected with CEP164-related conditions. ClinVar contains an entry for this variant (Variation ID: 1370250). An algorithm developed to predict the effect of missense changes on protein structure and function (PolyPhen-2) suggests that this variant is likely to be disruptive. In summary, the available evidence is currently insufficient to determine the role of this variant in disease. Therefore, it has been classified as a Variant of Uncertain Significance.

NM_014956.5(CEP164):c.1322A>G (p.Gln441Arg)

Gene: CEP164 (centrosomal protein 164; plus strand). Cytogenetic location: 11q23.3.
Variant type: single nucleotide variant.
Coding change: c.1322A>G on transcript NM_014956.5 (MANE Select); coding-DNA position 1322, A replaced by G.
Protein change: p.Gln441Arg; replaces glutamine 441 with arginine.
Molecular consequence: missense variant.
Genome position (GRCh38, 1-based): chr11:117,380,618, A>G. VCF-style: chr11-117380618-A-G. GRCh37 (hg19) VCF-style: chr11-117251334-A-G.
Other names: c.1322A>G (NM_014956.4); c.1322A>G, p.Gln441Arg (NM_001271933.2); short protein forms Q441R.
Identifiers: ClinVar variation 1370250 (VCV001370250.7), dbSNP rs138536460, ClinGen allele CA229396779.